The following is an entry in ClinVar:

NM_130384.3(ATRIP):c.926-3C>T

Genes: ATRIP (ATR interacting protein; plus strand), ATRIP-TREX1 (ATRIP-TREX1 readthrough; plus strand). Cytogenetic location: 3p21.31.
Variant type: single nucleotide variant.
Coding change: c.926-3C>T on transcript NM_130384.3 (MANE Select); 3 bases into the intron before coding-DNA position 926, C replaced by T.
Molecular consequence: intron variant.
Genome position (GRCh38, 1-based): chr3:48,459,784, C>T. VCF-style: chr3-48459784-C-T. GRCh37 (hg19) VCF-style: chr3-48501183-C-T.
Other names: c.926-3C>T (NM_032166.4); c.545-3C>T (NM_001271022.2); c.647-3C>T (NM_001271023.2).
Identifiers: ClinVar variation 4182373 (VCV004182373.1).

ClinVar aggregate classification (germline): Uncertain significance (1 of 4 stars; one submission).

gnomAD v4.1: 2 of 1,609,868 alleles (0.00012%); highest among the groups gnomAD compares: African/African-American, 0.0013%; no homozygotes.

Submission:

Ambry Genetics
Classification: Uncertain significance. Last evaluated: 2025-08-15. Review status: criteria provided, single submitter. Criteria: Ambry Variant Classification Scheme 2023. Collection method: clinical testing. Allele origin: germline.
Comment: The c.926-3C>T intronic variant results from a C to T substitution 3 nucleotides upstream from coding exon 7 in the ATRIP gene. This nucleotide position is highly conserved in available vertebrate species. In silico splice site analysis for this alteration is inconclusive. The evidence for this gene-disease relationship is limited; therefore, the clinical significance of this alteration is unclear.